The following is an entry in ClinVar:

ClinVar aggregate classification (germline): Uncertain significance (1 of 4 stars; one submission).

gnomAD v4.1: 2 of 1,611,028 alleles (0.00012%); highest among the groups gnomAD compares: Non-Finnish European, 0.00017%; no homozygotes.

Submission:

GeneDx
Classification: Uncertain significance. Last evaluated: 2026-03-20. Review status: criteria provided, single submitter. Criteria: GeneDx Variant Classification Process June 2021. Collection method: clinical testing. Allele origin: germline.
Comment: Not observed at significant frequency in large population cohorts (gnomAD); In silico analysis supports that this missense variant has a deleterious effect on protein structure/function; Has not been previously published as pathogenic or benign to our knowledge; Not located in one of the three hot-spot regions of the RYR2 gene, where the majority of pathogenic missense variants occur; This variant is associated with the following publications: (PMID: 19926015)

NM_001035.3(RYR2):c.4731C>A (p.Asn1577Lys)

Gene: RYR2 (ryanodine receptor 2; plus strand). Cytogenetic location: 1q43.
Variant type: single nucleotide variant.
Coding change: c.4731C>A on transcript NM_001035.3 (MANE Select); coding-DNA position 4731, C replaced by A.
Protein change: p.Asn1577Lys; replaces asparagine 1577 with lysine.
Molecular consequence: missense variant.
Genome position (GRCh38, 1-based): chr1:237,610,809, C>A. VCF-style: chr1-237610809-C-A. GRCh37 (hg19) VCF-style: chr1-237774109-C-A.
Other names: short protein forms N1577K.
Identifiers: ClinVar variation 5017153 (VCV005017153.1).